The following is an entry in ClinVar:

ClinVar aggregate classification (germline): Likely benign (0 of 4 stars; one submission).

Conditions:
UCP3-related disorder. Also called: UCP3-related condition.

Allele frequency attached by ClinVar (database versions not stated): gnomAD 0.00003; TOPMed 0.00006; ESP Exome Variant Server 0.00015.
gnomAD v4.1: 77 of 1,614,040 alleles (0.0048%); highest among the groups gnomAD compares: African/African-American, 0.011%; no homozygotes.

Submission:

PreventionGenetics, part of Exact Sciences
Classification: Likely benign for UCP3-related condition. Last evaluated: 2022-07-27. Review status: no assertion criteria provided. Collection method: clinical testing. Allele origin: germline.
Comment: This variant is classified as likely benign based on ACMG/AMP sequence variant interpretation guidelines (Richards et al. 2015 PMID: 25741868, with internal and published modifications).

NM_003356.4(UCP3):c.507C>T (p.Ile169=)

Gene: UCP3 (uncoupling protein 3; minus strand). Cytogenetic location: 11q13.4.
Variant type: single nucleotide variant.
Coding change: c.507C>T on transcript NM_003356.4 (MANE Select); coding-DNA position 507, C replaced by T.
Protein change: p.Ile169=; no amino-acid change (isoleucine 169 retained).
Molecular consequence: synonymous variant.
Genome position (GRCh38, 1-based): chr11:74,005,764, G>A on the plus strand (C>T on the coding strand, the complement: UCP3 is on the minus strand). VCF-style: chr11-74005764-G-A. GRCh37 (hg19) VCF-style: chr11-73716809-G-A.
Other names: c.507C>T, p.Ile169= (NM_022803.3).
Identifiers: ClinVar variation 3042063 (VCV003042063.2), dbSNP rs376848921, ClinGen allele CA6181468.